The following is an entry in ClinVar:

NM_024422.6(DSC2):c.1112T>C (p.Val371Ala)

Gene: DSC2 (desmocollin 2; minus strand). Cytogenetic location: 18q12.1.
Variant type: single nucleotide variant.
Coding change: c.1112T>C on transcript NM_024422.6 (MANE Select); coding-DNA position 1112, T replaced by C.
Protein change: p.Val371Ala; replaces valine 371 with alanine.
Molecular consequence: missense variant.
Genome position (GRCh38, 1-based): chr18:31,082,389, A>G on the plus strand (T>C on the coding strand, the complement: DSC2 is on the minus strand). VCF-style: chr18-31082389-A-G. GRCh37 (hg19) VCF-style: chr18-28662355-A-G.
Other names: c.1112T>C, p.Val371Ala (NM_004949.5); short protein forms V371A.
Identifiers: ClinVar variation 921818 (VCV000921818.5), dbSNP rs772863598, ClinGen allele CA297637686.

ClinVar aggregate classification (germline): Uncertain significance (1 of 4 stars; one submission).

Conditions:
Cardiomyopathy (CMYO). Also called: Cardiomyopathies. Identifiers: Orphanet 167848, MedGen C0878544, MONDO:0004994, HP:0001638. Inheritance: Various modes of inheritance.

Allele frequency attached by ClinVar (database versions not stated): gnomAD exomes 0.00001.

Submission:

Color Diagnostics, LLC DBA Color Health
Classification: Uncertain significance for Cardiomyopathy. Last evaluated: 2023-12-05. Review status: criteria provided, single submitter. Criteria: ACMG Guidelines, 2015. Collection method: clinical testing. Allele origin: germline.
Comment: This missense variant replaces valine with alanine at codon 371 of the DSC2 protein. Computational prediction tools and conservation analyses are inconclusive regarding the impact of this variant on the protein function. Computational splicing tools suggest that this variant may not impact RNA splicing. To our knowledge, functional assays have not been performed for this variant nor has this variant been reported in individuals affected with cardiovascular disorders in the literature. This variant has not been identified in the general population by the Genome Aggregation Database (gnomAD). Available evidence is insufficient to determine the role of this variant in disease conclusively. Therefore, this variant is classified as a Variant of Uncertain Significance.